The following is an entry in ClinVar:

NM_206933.4(USH2A):c.7493del (p.Ser2498fs)

Gene: USH2A (usherin; minus strand). Cytogenetic location: 1q41.
Variant type: Deletion.
Coding change: c.7493del on transcript NM_206933.4 (MANE Select); coding-DNA position 7493, one base deleted (G; older notation c.7493delG).
Protein change: p.Ser2498fs; shifts the reading frame from serine 2498.
Molecular consequence: frameshift variant.
Genome position (GRCh38, 1-based): chr1:215,900,176, C deleted on the plus strand (G on the coding strand, the reverse complement: USH2A is on the minus strand). VCF-style (leftmost placement, unchanged base first): chr1-215900175-AC-A. GRCh37 (hg19) VCF-style: chr1-216073517-AC-A.
Other names: c.7493del (NM_206933.2); c.7493delG (NM_206933.2); short protein forms S2498fs.
Identifiers: ClinVar variation 554589 (VCV000554589.14), dbSNP rs1553274448, ClinGen allele CA528711177.

ClinVar aggregate classification (germline): Pathogenic/Likely pathogenic. Review status: criteria provided, multiple submitters, no conflicts (2 of 4 stars). 6 submissions from 5 submitters: Pathogenic (2); Likely pathogenic (3). 1 of the submissions does not count toward it. Last evaluated 2024-09-30.

Conditions:
Retinitis pigmentosa 39 (RP39). Identifiers: Orphanet 791, MedGen C3151138, MONDO:0013436, OMIM 613809.
Usher syndrome type 2A. Also called: RETINAL DISEASE IN USHER SYNDROME TYPE IIA, MODIFIER OF; USHER SYNDROME, TYPE IIA. Identifiers: Orphanet 231178, Orphanet 886, MedGen C1848634, MONDO:0010169, OMIM 276901.

Allele frequency attached by ClinVar (database versions not stated): gnomAD exomes below 0.00001 and 0.00001; TOPMed 0.00001.

Submissions (6):

Labcorp Genetics (formerly Invitae), Labcorp
Classification: Pathogenic. Last evaluated: 2024-09-30. Review status: criteria provided, single submitter. Criteria: Invitae Variant Classification Sherloc (09022015). Collection method: clinical testing. Allele origin: germline.
Comment: This sequence change creates a premature translational stop signal (p.Ser2498Metfs*30) in the USH2A gene. It is expected to result in an absent or disrupted protein product. Loss-of-function variants in USH2A are known to be pathogenic (PMID: 10729113, 10909849, 20507924, 25649381). This variant is present in population databases (no rsID available, gnomAD 0.0009%). This premature translational stop signal has been observed in individual(s) with autosomal recessive retinitis pigmentosa or Usher syndrome type II (PMID: 18641288, 20507924). ClinVar contains an entry for this variant (Variation ID: 554589). For these reasons, this variant has been classified as Pathogenic.

Genome-Nilou Lab
Classification: Likely pathogenic for Retinitis pigmentosa 39. Last evaluated: 2023-11-04. Review status: criteria provided, single submitter. Criteria: ACMG Guidelines, 2015. Collection method: clinical testing. Allele origin: germline. Affected: no.

Genome-Nilou Lab
Classification: Likely pathogenic for Usher syndrome type 2A. Last evaluated: 2023-11-04. Review status: criteria provided, single submitter. Criteria: ACMG Guidelines, 2015. Collection method: clinical testing. Allele origin: germline. Affected: no.

Baylor Genetics
Classification: Pathogenic for Retinitis pigmentosa 39. Last evaluated: 2023-07-27. Review status: criteria provided, single submitter. Criteria: ACMG Guidelines, 2015. Collection method: clinical testing. Allele origin: unknown.

GeneID Lab - Advanced Molecular Diagnostics
Classification: Likely pathogenic for Usher syndrome, type 2A. Last evaluated: 2018-03-10. Review status: criteria provided, single submitter. Criteria: ACMG Guidelines, 2015. Collection method: clinical testing. Allele origin: germline. Affected: no. Observed: 1 variant allele.
Comment: This variant deletes one nucleotide resulting in an amino acid alteration, replacing a serine (S) with a methionine (M) at codon 2498 creating a premature stop signal in the new reading frame noted as p.S2498Mfs*30. The substitution is predicted to result in a non-functional USH2A protein, either through protein truncation or nonsense-mediated mRNA decay. This mutation is considered a non-tolerated amino acid change based on in silico prediction algorithms (disease causing), and it has not been reported in the Clinical Variant Database (NCBI National Library of Medicine, NIH) or in population databases such as ExAC or 1000G. Based on these findings and the limited literature regarding this substitution we consider it as a likely pathogenic variant.

Counsyl
Classification: Likely pathogenic for Usher syndrome type 2A; Retinitis pigmentosa 39. Last evaluated: 2017-10-26. Review status: no assertion criteria provided. Collection method: clinical testing. Allele origin: unknown. Not counted in ClinVar's aggregate classification.

Literature cited by the submitters: PubMed 10729113 (cited by Labcorp Genetics (formerly Invitae), Labcorp); PubMed 10909849 (cited by Labcorp Genetics (formerly Invitae), Labcorp); PubMed 20507924 (cited by Labcorp Genetics (formerly Invitae), Labcorp and Counsyl); PubMed 25649381 (cited by Labcorp Genetics (formerly Invitae), Labcorp); PubMed 18641288 (cited by Labcorp Genetics (formerly Invitae), Labcorp and Counsyl).